The following is an entry in ClinVar:

NM_014141.6(CNTNAP2):c.2774-81A>C

Genes: CNTNAP2 (contactin associated protein 2; plus strand), LOC126860216 (BRD4-independent group 4 enhancer GRCh37_chr7:147868766-147869965; plus strand). Cytogenetic location: 7q35.
Variant type: single nucleotide variant.
Coding change: c.2774-81A>C on transcript NM_014141.6 (MANE Select); 81 bases into the intron before coding-DNA position 2774, A replaced by C.
Molecular consequence: intron variant.
Genome position (GRCh38, 1-based): chr7:148,172,161, A>C. VCF-style: chr7-148172161-A-C. GRCh37 (hg19) VCF-style: chr7-147869253-A-C.
Identifiers: ClinVar variation 674337 (VCV000674337.2), dbSNP rs143720486, ClinGen allele CA168818869.

ClinVar aggregate classification (germline): Likely benign. Review status: criteria provided, multiple submitters, no conflicts (2 of 4 stars). 2 submissions from 2 submitters: Likely benign (2). Last evaluated 2018-06-14.

Allele frequency attached by ClinVar (database versions not stated): gnomAD exomes 0.00058; gnomAD 0.00604 and 0.00635; TOPMed 0.00654; 1000 Genomes Project 0.00699; 1000 Genomes Project 30x 0.00718.
gnomAD v4.1: 1,659 of 1,368,550 alleles (0.12%); highest among the groups gnomAD compares: African/African-American, 2%; 10 homozygotes.

Submissions (2):

GeneDx
Classification: Likely benign. Last evaluated: 2018-06-14. Review status: criteria provided, single submitter. Criteria: GeneDx Variant Classification (06012015). Collection method: clinical testing. Allele origin: germline. Affected: yes.
Comment: This variant is considered likely benign or benign based on one or more of the following criteria: it is a conservative change, it occurs at a poorly conserved position in the protein, it is predicted to be benign by multiple in silico algorithms, and/or has population frequency not consistent with disease.

Breakthrough Genomics
Classification: Likely benign. Review status: criteria provided, single submitter. Criteria: ACMG Guidelines, 2015. Collection method: not provided. Allele origin: germline. Inheritance: Autosomal recessive inheritance. Affected: yes.